The following is an entry in ClinVar:

NM_000138.5(FBN1):c.6925A>T (p.Asn2309Tyr)

Gene: FBN1 (fibrillin 1; minus strand). Cytogenetic location: 15q21.1.
Variant type: single nucleotide variant.
Coding change: c.6925A>T on transcript NM_000138.5 (MANE Select); coding-DNA position 6925, A replaced by T.
Protein change: p.Asn2309Tyr; replaces asparagine 2309 with tyrosine.
Molecular consequence: missense variant.
Genome position (GRCh38, 1-based): chr15:48,428,418, T>A on the plus strand (A>T on the coding strand, the complement: FBN1 is on the minus strand). VCF-style: chr15-48428418-T-A. GRCh37 (hg19) VCF-style: chr15-48720615-T-A.
Other names: short protein forms N2309Y.
Identifiers: ClinVar variation 1497751 (VCV001497751.6), dbSNP rs2141229967, ClinGen allele CA392330721.

ClinVar aggregate classification (germline): Uncertain significance (1 of 4 stars; one submission).

Conditions:
Marfan syndrome (MFS). Also called: MARFAN SYNDROME, TYPE I; Marfan syndrome type 1; Marfan's syndrome; Marfan syndrome, classic; FBN1-Related Marfan Syndrome. Identifiers: Orphanet 284963, Orphanet 558, MedGen C0024796, MONDO:0007947, OMIM 154700.
Familial thoracic aortic aneurysm and aortic dissection (TAAD). Also called: Thoracic aortic aneurysms and dissections. Identifiers: Orphanet 91387, MedGen C4707243, MONDO:0019625.

Submission:

Labcorp Genetics (formerly Invitae), Labcorp
Classification: Uncertain significance for Marfan syndrome; Familial thoracic aortic aneurysm and aortic dissection. Last evaluated: 2022-03-25. Review status: criteria provided, single submitter. Criteria: Invitae Variant Classification Sherloc (09022015). Collection method: clinical testing. Allele origin: germline.
Comment: In summary, the available evidence is currently insufficient to determine the role of this variant in disease. Therefore, it has been classified as a Variant of Uncertain Significance. Advanced modeling of protein sequence and biophysical properties (such as structural, functional, and spatial information, amino acid conservation, physicochemical variation, residue mobility, and thermodynamic stability) performed at Invitae indicates that this missense variant is expected to disrupt FBN1 protein function. This variant has not been reported in the literature in individuals affected with FBN1-related conditions. This variant is not present in population databases (gnomAD no frequency). This sequence change replaces asparagine, which is neutral and polar, with tyrosine, which is neutral and polar, at codon 2309 of the FBN1 protein (p.Asn2309Tyr).